The following is an entry in ClinVar:

NM_000169.3(GLA):c.522dup (p.Asp175Ter)

Genes: GLA (galactosidase alpha; minus strand), RPL36A-HNRNPH2 (RPL36A-HNRNPH2 readthrough; plus strand). Cytogenetic location: Xq22.1.
Variant type: Duplication.
Coding change: c.522dup on transcript NM_000169.3 (MANE Select); coding-DNA position 522, one base duplicated (T; older notation c.522dupT).
Protein change: p.Asp175Ter; replaces aspartic acid 175 with a stop codon.
Molecular consequence: nonsense. On other transcripts: non-coding transcript variant (3), intron variant (2).
Genome position (GRCh38, 1-based): chrX:101,401,657, A duplicated on the plus strand (T on the coding strand, the reverse complement: GLA is on the minus strand). VCF-style (leftmost placement, unchanged base first): chrX-101401656-C-CA. GRCh37 (hg19) VCF-style: chrX-100656644-C-CA.
Other names: c.645dup, p.Asp216Ter (NM_001406747.1, NM_001406749.1); c.522dup, p.Asp175Ter (NM_001406748.1); c.300+6200dup (NM_001199973.2); c.177+9835dup (NM_001199974.2); short protein forms D175*, D216*.
Identifiers: ClinVar variation 4087163 (VCV004087163.2).

ClinVar aggregate classification (germline): Pathogenic (1 of 4 stars; one submission).

Conditions:
Fabry disease. Also called: ALPHA-GALACTOSIDASE A DEFICIENCY; ANDERSON-FABRY DISEASE; CERAMIDE TRIHEXOSIDASE DEFICIENCY; GLA DEFICIENCY; HEREDITARY DYSTOPIC LIPIDOSIS; Angiokeratoma corporis diffusum. Identifiers: Orphanet 324, MedGen C0002986, MONDO:0010526, OMIM 301500, HP:0001071. Disease mechanism: Fabry disease is due to inactivating mutations in the X-linked GLA gene resulting in deficiency of the enzyme Alpha Galactosidase-A., loss of function.

Submission:

Genomenon, Inc
Classification: Pathogenic for Fabry disease. Last evaluated: 2026-09-08. Review status: criteria provided, single submitter. Criteria: Genomenon Sequence Variant Interpretation Standards - Updated. Collection method: curation. Allele origin: germline. Affected: yes.
Comment: GLA p.Asp175Ter (c.522dup) is a nonsense variant that introduces a premature stop codon at amino acid position 175 and is predicted to result in a truncated or absent protein product. This variant has been observed in at least one proband with clinical features consistent with Fabry disease (PMID:23935525). At least one functional study has demonstrated a substantial alteration in protein function relative to the wild-type (PMID:23935525). It is absent or not present at a significant frequency in gnomAD. In conclusion, we classify GLA p.Asp175Ter (c.522dup) as a pathogenic variant.

Literature cited by the submitters: PubMed 23935525.